The following is an entry in ClinVar:

ClinVar aggregate classification (germline): Uncertain significance (1 of 4 stars; one submission).

Conditions:
Alagille syndrome due to a JAG1 point mutation. Also called: Alagille Syndrome 1; JAG1-Related Alagille Syndrome; HEPATIC DUCTULAR HYPOPLASIA, SYNDROMATIC. Identifiers: Orphanet 261619, Orphanet 52, MedGen C1956125, MONDO:0016862, OMIM 118450.

Submission:

Juno Genomics, Hangzhou Juno Genomics, Inc
Classification: Uncertain significance for Alagille syndrome due to a JAG1 point mutation. Review status: criteria provided, single submitter. Criteria: ACMG Guidelines, 2015. Collection method: clinical testing. Allele origin: germline. Affected: yes.
Comment: Absent from controls (or at extremely low frequency if recessive) in Genome Aggregation Database, Exome Sequencing Project, 1000 Genomes Project, or Exome Aggregation Consortium.;Same amino acid change as a previously established pathogenic variant regardless of nucleotide change.;Multiple lines of computational evidence support a deleterious effect on the gene or gene product (conservation, evolutionary, splicing impact, etc).;Missense variant in a gene that has a low rate of benign missense variation and where missense variants are a common mechanism of disease.

NM_000214.3(JAG1):c.1731C>A (p.Ser577Arg)

Gene: JAG1 (jagged canonical Notch ligand 1; minus strand). Cytogenetic location: 20p12.2.
Variant type: single nucleotide variant.
Coding change: c.1731C>A on transcript NM_000214.3 (MANE Select); coding-DNA position 1731, C replaced by A.
Protein change: p.Ser577Arg; replaces serine 577 with arginine.
Molecular consequence: missense variant.
Genome position (GRCh38, 1-based): chr20:10,647,093, G>T on the plus strand (C>A on the coding strand, the complement: JAG1 is on the minus strand). VCF-style: chr20-10647093-G-T. GRCh37 (hg19) VCF-style: chr20-10627741-G-T.
Other names: short protein forms S577R.
Identifiers: ClinVar variation 3382554 (VCV003382554.2).